The following is an entry in ClinVar:

ClinVar aggregate classification (germline): Conflicting classifications of pathogenicity. Review status: criteria provided, conflicting classifications (1 of 4 stars). 3 submissions from 3 submitters: Likely pathogenic (1); Uncertain significance (1). 1 of the submissions does not count toward it. Last evaluated 2021-03-18.

Conditions:
Pigmented nodular adrenocortical disease, primary, 1 (PPNAD1). Also called: PIGMENTED MICRONODULAR ADRENOCORTICAL DISEASE, PRIMARY, 1; ADRENOCORTICAL NODULAR DYSPLASIA, PRIMARY; CUSHING SYNDROME, ADRENAL, DUE TO PPNAD1. Identifiers: Orphanet 189439, MedGen C1864846, MONDO:0012509, OMIM 610489.
Carney complex, type 1 (CNC1). Also called: CARNEY MYXOMA-ENDOCRINE COMPLEX; CARNEY COMPLEX, TYPE I. Identifiers: Orphanet 1359, MedGen C2607929, MONDO:0008057, OMIM 160980.

Submissions (3):

Labcorp Genetics (formerly Invitae), Labcorp
Classification: Uncertain significance for Carney complex, type 1. Last evaluated: 2021-03-18. Review status: criteria provided, single submitter. Criteria: Invitae Variant Classification Sherloc (09022015). Collection method: clinical testing. Allele origin: germline.
Comment: In summary, the available evidence is currently insufficient to determine the role of this variant in disease. Therefore, it has been classified as a Variant of Uncertain Significance. Nucleotide substitutions within the consensus splice site are a relatively common cause of aberrant splicing (PMID: 17576681, 9536098). Algorithms developed to predict the effect of sequence changes on RNA splicing suggest that this variant may disrupt the consensus splice site, but this prediction has not been confirmed by published transcriptional studies. This variant has not been reported in the literature in individuals with PRKAR1A-related conditions. ClinVar contains an entry for this variant (Variation ID: 12670). The frequency data for this variant in the population databases is considered unreliable, as metrics indicate insufficient coverage at this position in the ExAC database. This sequence change falls in intron 1 of the PRKAR1A gene. It does not directly change the encoded amino acid sequence of the PRKAR1A protein. It affects a nucleotide within the consensus splice site of the intron.

Department of Pathology and Laboratory Medicine, Sinai Health System
Classification: Likely pathogenic for Carney complex, type 1. Review status: criteria provided, single submitter. Criteria: ACMG Guidelines, 2015. Collection method: clinical testing. Allele origin: germline.

OMIM
Classification: Pathogenic for PIGMENTED NODULAR ADRENOCORTICAL DISEASE, PRIMARY, 1. Last evaluated: 2002-09-01. Review status: no assertion criteria provided. Collection method: literature only. Allele origin: unknown. Not counted in ClinVar's aggregate classification.

Literature cited by the submitters: PubMed 17576681 (cited by Labcorp Genetics (formerly Invitae), Labcorp); PubMed 9536098 (cited by Labcorp Genetics (formerly Invitae), Labcorp); PubMed 12213893 (cited by OMIM).

NM_002734.5(PRKAR1A):c.-7+1G>A

Gene: PRKAR1A (protein kinase cAMP-dependent type I regulatory subunit alpha; plus strand). Cytogenetic location: 17q24.2.
Variant type: single nucleotide variant.
Coding change: c.-7+1G>A on transcript NM_002734.5 (MANE Select); the canonical splice donor site of the intron after 7 bases upstream of the start codon, G replaced by A.
Molecular consequence: splice donor variant. On other transcripts: 5 prime UTR variant (1), intron variant (3).
Genome position (GRCh38, 1-based): chr17:68,512,549, G>A. VCF-style: chr17-68512549-G-A. GRCh37 (hg19) VCF-style: chr17-66508690-G-A.
Other names: 102G-A; c.-37G>A (NM_212472.2); c.-6-2845G>A (NM_001278433.2); c.-140+407G>A (NM_001369389.1); c.-7+407G>A (NM_212471.3); c.-140+1G>A (NM_001276289.2).
Identifiers: ClinVar variation 12670 (VCV000012670.10), dbSNP rs587776773, ClinGen allele CA122617.